The following is an entry in ClinVar:

NM_001365951.3(KIF1B):c.2930T>C (p.Phe977Ser)

Gene: KIF1B (kinesin family member 1B; plus strand). Cytogenetic location: 1p36.22.
Variant type: single nucleotide variant.
Coding change: c.2930T>C on transcript NM_001365951.3 (MANE Select); coding-DNA position 2930, T replaced by C.
Protein change: p.Phe977Ser; replaces phenylalanine 977 with serine.
Molecular consequence: missense variant.
Genome position (GRCh38, 1-based): chr1:10,334,525, T>C. VCF-style: chr1-10334525-T-C. GRCh37 (hg19) VCF-style: chr1-10394583-T-C.
Other names: c.2930T>C, p.Phe977Ser (NM_001365952.1); c.2792T>C, p.Phe931Ser (NM_015074.3); short protein forms F977S, F931S.
Identifiers: ClinVar variation 1796069 (VCV001796069.4), dbSNP rs375534287, ClinGen allele CA581649.

ClinVar aggregate classification (germline): Uncertain significance (1 of 4 stars; one submission).

Allele frequency attached by ClinVar (database versions not stated): gnomAD exomes below 0.00001; ExAC 0.00001; gnomAD 0.00001; TOPMed 0.00003; ESP Exome Variant Server 0.00008.
gnomAD v4.1: 3 of 1,612,568 alleles (0.00019%); highest among the groups gnomAD compares: African/African-American, 0.004%; no homozygotes.

Submission:

Ambry Genetics
Classification: Uncertain significance. Last evaluated: 2025-11-09. Review status: criteria provided, single submitter. Criteria: Ambry Variant Classification Scheme 2023. Collection method: clinical testing. Allele origin: germline.
Comment: The p.F931S variant (also known as c.2792T>C), located in coding exon 25 of the KIF1B gene, results from a T to C substitution at nucleotide position 2792. The phenylalanine at codon 931 is replaced by serine, an amino acid with highly dissimilar properties. This amino acid position is highly conserved in available vertebrate species. In addition, this alteration is predicted to be deleterious by in silico analysis. Since supporting evidence is limited at this time, the clinical significance of this alteration remains unclear.